The following is an entry in ClinVar:

ClinVar aggregate classification (germline): Uncertain significance (1 of 4 stars; one submission).

Conditions:
Neurofibromatosis, type 2 (SWNV). Also called: BILATERAL ACOUSTIC NEUROFIBROMATOSIS; SCHWANNOMATOSIS, VESTIBULAR; NF2-Related Schwannomatosis. Identifiers: Orphanet 637, MedGen C0027832, MONDO:0007039, OMIM 101000. Disease mechanism: loss of function.

Submission:

Labcorp Genetics (formerly Invitae), Labcorp
Classification: Uncertain significance for Neurofibromatosis, type 2. Last evaluated: 2026-01-20. Review status: criteria provided, single submitter. Criteria: Invitae Variant Classification Sherloc (09022015). Collection method: clinical testing. Allele origin: germline.
Comment: This sequence change replaces lysine, which is basic and polar, with arginine, which is basic and polar, at codon 130 of the NF2 protein (p.Lys130Arg). This variant is not present in population databases (gnomAD no frequency). This variant has not been reported in the literature in individuals affected with NF2-related conditions. ClinVar contains an entry for this variant (Variation ID: 1487120). Invitae Evidence Modeling of protein sequence and biophysical properties (such as structural, functional, and spatial information, amino acid conservation, physicochemical variation, residue mobility, and thermodynamic stability) indicates that this missense variant is not expected to disrupt NF2 protein function with a negative predictive value of 80%. In summary, the available evidence is currently insufficient to determine the role of this variant in disease. Therefore, it has been classified as a Variant of Uncertain Significance.

NM_000268.4(NF2):c.389A>G (p.Lys130Arg)

Gene: NF2 (NF2, moesin-ezrin-radixin like (MERLIN) tumor suppressor; plus strand). Cytogenetic location: 22q12.2.
Variant type: single nucleotide variant.
Coding change: c.389A>G on transcript NM_000268.4 (MANE Select); coding-DNA position 389, A replaced by G.
Protein change: p.Lys130Arg; replaces lysine 130 with arginine.
Molecular consequence: missense variant. On other transcripts: non-coding transcript variant (1).
Genome position (GRCh38, 1-based): chr22:29,642,227, A>G. VCF-style: chr22-29642227-A-G. GRCh37 (hg19) VCF-style: chr22-30038216-A-G.
Other names: c.389A>G, p.Lys130Arg (NM_016418.5, NM_181825.3, NM_181832.3 and 1 more transcripts); c.263A>G, p.Lys88Arg (NM_181828.3); c.266A>G, p.Lys89Arg (NM_181829.3); c.140A>G, p.Lys47Arg (NM_181830.3, NM_181831.3); short protein forms K47R, K88R, K89R, K130R.
Identifiers: ClinVar variation 1487120 (VCV001487120.8), dbSNP rs2146893244, ClinGen allele CA411153771.
Genomic context (GRCh38, chr22:29,642,227, plus strand): 5'-ACAGAGTATCATGTCTCCCTTGTTGCTCCTTTCAGGTAAAGAAGCAGATTTTAGATGAAA[A>G]GATCTACTGCCCTCCTGAGGCTTCTGTGCTCCTGGCTTCTTACGCCGTCCAGGCCAAGGT-3'
Protein context (NP_000259.1, residues 120-140): LQVKKQILDE[Lys130Arg]IYCPPEASVL